The following is an entry in ClinVar:

ClinVar aggregate classification (germline): Likely benign. Review status: criteria provided, multiple submitters, no conflicts (2 of 4 stars). 3 submissions from 3 submitters: Likely benign (3). Last evaluated 2025-01-09.

Conditions:
Familial hypobetalipoproteinemia 1. Also called: Hypobetalipoproteinemia, normotriglyceridemic; Acanthocytosis with hypobetalipoproteinemia; APOB-Related Familial Hypobetalipoproteinemia. Identifiers: MedGen C4551990, MONDO:0014252, OMIM 615558.
Hypercholesterolemia, autosomal dominant, type B (FHCL2). Also called: Familial Hypercholesterolemia Type B; HYPERCHOLESTEROLEMIA, FAMILIAL, DUE TO LIGAND-DEFECTIVE APOLIPOPROTEIN B; Familial hypercholesterolemia 2; APOB-Related Familial Hypercholesterolemia, Autosomal Dominant; APOLIPOPROTEIN B-100, FAMILIAL DEFECTIVE; APOLIPOPROTEIN B-100, FAMILIAL LIGAND-DEFECTIVE. Identifiers: MedGen C1704417, MONDO:0007751, OMIM 144010.
Cardiovascular phenotype. Identifiers: MedGen CN230736.
Familial hypercholesterolemia. Also called: Familial hypercholesterolemias; Familial hypercholesterolaemia. Identifiers: MedGen C0020445, MONDO:0005439.

Allele frequency attached by ClinVar (database versions not stated): TOPMed 0.00002.
gnomAD v4.1: 34 of 1,611,104 alleles (0.0021%); highest among the groups gnomAD compares: Middle Eastern, 0.017%; no homozygotes.

Submissions (3):

GENinCode PLC
Classification: Likely benign for Familial hypercholesterolemia. Last evaluated: 2025-01-09. Review status: criteria provided, single submitter. Criteria: ACMG Guidelines, 2015. Collection method: clinical testing. Allele origin: germline.
Comment: This is a synonymous (silent) variant that is not predicted to impact splicing and occurs at a nucleotide which is not highly conserved. This variant has been classified as Likely Benign (BP4, BP7).

Labcorp Genetics (formerly Invitae), Labcorp
Classification: Likely benign for Familial hypobetalipoproteinemia 1; Hypercholesterolemia, autosomal dominant, type B. Last evaluated: 2023-09-29. Review status: criteria provided, single submitter. Criteria: Invitae Variant Classification Sherloc (09022015). Collection method: clinical testing. Allele origin: germline.

Ambry Genetics
Classification: Likely benign for Cardiovascular phenotype. Last evaluated: 2022-01-19. Review status: criteria provided, single submitter. Criteria: Ambry Variant Classification Scheme 2023. Collection method: clinical testing. Allele origin: germline.

NM_000384.3(APOB):c.3264G>A (p.Thr1088=)

Gene: APOB (apolipoprotein B; minus strand). Cytogenetic location: 2p24.1.
Variant type: single nucleotide variant.
Coding change: c.3264G>A on transcript NM_000384.3 (MANE Select); coding-DNA position 3264, G replaced by A.
Protein change: p.Thr1088=; no amino-acid change (threonine 1088 retained).
Molecular consequence: synonymous variant.
Genome position (GRCh38, 1-based): chr2:21,016,507, C>T on the plus strand (G>A on the coding strand, the complement: APOB is on the minus strand). VCF-style: chr2-21016507-C-T. GRCh37 (hg19) VCF-style: chr2-21239379-C-T.
Identifiers: ClinVar variation 925419 (VCV000925419.16), dbSNP rs773824710, ClinGen allele CA058377.
Genomic context (GRCh38, chr2:21,016,507, plus strand): 5'-GCCCATGAGGGCGACCTCAGTAATTTTCTTGTTCTGAATGTCCAGGGTGAGTCTGTAAGA[C>T]GTTTTGCCCTCAGTAGATTCATCATTAACTCTGAGGATTGTTCCGAGGTCAACATCAAAA-3'
Protein context (NP_000375.3, residues 1078-1098): RVNDESTEGK[Thr1088=]SYRLTLDIQN